The following is an entry in ClinVar:

NM_152564.5(VPS13B):c.2934G>A (p.Gln978=)

Gene: VPS13B (vacuolar protein sorting 13 homolog B; plus strand). Cytogenetic location: 8q22.2.
Variant type: single nucleotide variant.
Coding change: c.2934G>A on transcript NM_152564.5 (MANE Select); coding-DNA position 2934, G replaced by A.
Protein change: p.Gln978=; no amino-acid change (glutamine 978 retained).
Molecular consequence: synonymous variant.
Genome position (GRCh38, 1-based): chr8:99,384,317, G>A. VCF-style: chr8-99384317-G-A. GRCh37 (hg19) VCF-style: chr8-100396545-G-A.
Other names: c.2934G>A, p.Gln978= (NM_017890.5).
Identifiers: ClinVar variation 1448806 (VCV001448806.3), dbSNP rs772161131, ClinGen allele CA4823092.

ClinVar aggregate classification (germline): Uncertain significance (1 of 4 stars; one submission).

Conditions:
Cohen syndrome (COH1). Also called: Cutis verticis gyrata, retinitis pigmentosa, and sensorineural deafness; PEPPER SYNDROME. Identifiers: Orphanet 193, MedGen C0265223, MONDO:0008999, OMIM 216550.

Allele frequency attached by ClinVar (database versions not stated): gnomAD exomes below 0.00001 and 0.00001; ExAC 0.00002.
gnomAD v4.1: 5 of 1,609,392 alleles (0.00031%); highest among the groups gnomAD compares: East Asian, 0.0067%; no homozygotes.

Submission:

Labcorp Genetics (formerly Invitae), Labcorp
Classification: Uncertain significance for Cohen syndrome. Last evaluated: 2022-07-19. Review status: criteria provided, single submitter. Criteria: Invitae Variant Classification Sherloc (09022015). Collection method: clinical testing. Allele origin: germline.
Comment: This sequence change affects codon 978 of the VPS13B mRNA. It is a 'silent' change, meaning that it does not change the encoded amino acid sequence of the VPS13B protein. This variant also falls at the last nucleotide of exon 20, which is part of the consensus splice site for this exon. This variant is present in population databases (rs772161131, gnomAD 0.01%). This variant has not been reported in the literature in individuals affected with VPS13B-related conditions. ClinVar contains an entry for this variant (Variation ID: 1448806). Variants that disrupt the consensus splice site are a relatively common cause of aberrant splicing (PMID: 17576681, 9536098). Algorithms developed to predict the effect of sequence changes on RNA splicing suggest that this variant is not likely to affect RNA splicing. In summary, the available evidence is currently insufficient to determine the role of this variant in disease. Therefore, it has been classified as a Variant of Uncertain Significance.

Literature cited by the submitters: PubMed 17576681; PubMed 9536098.